The following is an entry in ClinVar:

ClinVar aggregate classification (germline): Uncertain significance. Review status: criteria provided, multiple submitters, no conflicts (2 of 4 stars). 3 submissions from 3 submitters: Uncertain significance (3). Last evaluated 2026-04-16.

Conditions:
Combined immunodeficiency due to OX40 deficiency. Also called: OX40 DEFICIENCY; Immunodeficiency 16. Identifiers: Orphanet 431149, MedGen C3810053, MONDO:0014268, OMIM 615593.

Allele frequency attached by ClinVar (database versions not stated): gnomAD 0.00007 and 0.00009; TOPMed 0.00008; gnomAD exomes 0.00015; ExAC 0.00020.

Submissions (3):

Women's Health and Genetics/Laboratory Corporation of America, LabCorp
Classification: Uncertain significance. Last evaluated: 2026-04-16. Review status: criteria provided, single submitter. Criteria: LabCorp Variant Classification Summary - May 2015. Collection method: clinical testing. Allele origin: germline.
Comment: Variant summary: TNFRSF4 c.163C>T (p.Arg55Cys) results in a non-conservative amino acid change in the encoded protein sequence. Algorithms developed to predict the effect of missense changes on protein structure and function all suggest that this variant is likely to be disruptive. The variant allele was found at a frequency of 0.00015 in 219758 control chromosomes. This frequency is not significantly higher than estimated for disease-causing variants in TNFRSF4, allowing no conclusion about variant significance. To our knowledge, no occurrence of c.163C>T in individuals affected with TNFRSF4-related conditions and no experimental evidence demonstrating its impact on protein function have been reported. ClinVar contains an entry for this variant (Variation ID: 1433024). Based on the evidence outlined above, the variant was classified as uncertain significance.

Labcorp Genetics (formerly Invitae), Labcorp
Classification: Uncertain significance for Combined immunodeficiency due to OX40 deficiency. Last evaluated: 2025-11-03. Review status: criteria provided, single submitter. Criteria: Invitae Variant Classification Sherloc (09022015). Collection method: clinical testing. Allele origin: germline.
Comment: This sequence change replaces arginine, which is basic and polar, with cysteine, which is neutral and slightly polar, at codon 55 of the TNFRSF4 protein (p.Arg55Cys). This variant is present in population databases (rs769325973, gnomAD 0.08%), and has an allele count higher than expected for a pathogenic variant. This variant has not been reported in the literature in individuals affected with TNFRSF4-related conditions. ClinVar contains an entry for this variant (Variation ID: 1433024). Invitae Evidence Modeling of protein sequence and biophysical properties (such as structural, functional, and spatial information, amino acid conservation, physicochemical variation, residue mobility, and thermodynamic stability) indicates that this missense variant is expected to disrupt TNFRSF4 protein function with a positive predictive value of 80%. In summary, the available evidence is currently insufficient to determine the role of this variant in disease. Therefore, it has been classified as a Variant of Uncertain Significance.

Ambry Genetics
Classification: Uncertain significance. Last evaluated: 2023-12-15. Review status: criteria provided, single submitter. Criteria: Ambry Variant Classification Scheme 2023. Collection method: clinical testing. Allele origin: germline.

NM_003327.4(TNFRSF4):c.163C>T (p.Arg55Cys)

Gene: TNFRSF4 (TNF receptor superfamily member 4; minus strand). Cytogenetic location: 1p36.33.
Variant type: single nucleotide variant.
Coding change: c.163C>T on transcript NM_003327.4 (MANE Select); coding-DNA position 163, C replaced by T.
Protein change: p.Arg55Cys; replaces arginine 55 with cysteine.
Molecular consequence: missense variant.
Genome position (GRCh38, 1-based): chr1:1,213,768, G>A on the plus strand (C>T on the coding strand, the complement: TNFRSF4 is on the minus strand). VCF-style: chr1-1213768-G-A. GRCh37 (hg19) VCF-style: chr1-1149148-G-A.
Other names: c.163C>T (NM_003327.3); short protein forms R55C.
Identifiers: ClinVar variation 1433024 (VCV001433024.10), dbSNP rs769325973, ClinGen allele CA512639.
Genomic context (GRCh38, chr1:1,213,768, plus strand): 5'-CGTCGTTGTAGAAGCCCGGCCCGCACGGACGGCACACCGTGTTCTGGGAGCGGCTGCAGC[G>A]GCTCACCATCCCGTTGCCTGCAGCAGAGGCCGGCGTCAGGCAGCGGTCAGGCCCCAGGCT-3'
Protein context (NP_003318.1, residues 45-65): ECRPGNGMVS[Arg55Cys]CSRSQNTVCR